The following is an entry in ClinVar:

ClinVar aggregate classification (germline): Uncertain significance. Review status: criteria provided, multiple submitters, no conflicts (2 of 4 stars). 3 submissions from 3 submitters: Uncertain significance (3). Last evaluated 2025-11-06.

Conditions:
Catecholaminergic polymorphic ventricular tachycardia 1. Also called: RYR2-Related Catecholaminergic Polymorphic Ventricular Tachycardia; VENTRICULAR TACHYCARDIA, CATECHOLAMINERGIC POLYMORPHIC, 1, WITH OR WITHOUT ATRIAL DYSFUNCTION AND/OR DILATED CARDIOMYOPATHY; VENTRICULAR TACHYCARDIA, STRESS-INDUCED POLYMORPHIC 1. Identifiers: Orphanet 3286, MedGen C1631597, MONDO:0011484, OMIM 604772.
Catecholaminergic polymorphic ventricular tachycardia (CVPT). Also called: Catecholamine-induced polymorphic ventricular tachycardia. Identifiers: Orphanet 3286, MedGen C5574922, MONDO:0017990.
Cardiomyopathy (CMYO). Also called: Cardiomyopathies. Identifiers: Orphanet 167848, MedGen C0878544, MONDO:0004994, HP:0001638. Inheritance: Various modes of inheritance.

Allele frequency attached by ClinVar (database versions not stated): gnomAD exomes below 0.00001 and 0.00001; ExAC 0.00001; gnomAD 0.00006; 1000 Genomes Project 0.00020; 1000 Genomes Project 30x 0.00031.
gnomAD v4.1: 18 of 1,613,944 alleles (0.0011%); highest among the groups gnomAD compares: African/African-American, 0.0027%; no homozygotes.

Submissions (3):

Labcorp Genetics (formerly Invitae), Labcorp
Classification: Uncertain significance for Catecholaminergic polymorphic ventricular tachycardia 1. Last evaluated: 2025-11-06. Review status: criteria provided, single submitter. Criteria: Invitae Variant Classification Sherloc (09022015). Collection method: clinical testing. Allele origin: germline.
Comment: This sequence change replaces arginine, which is basic and polar, with histidine, which is basic and polar, at codon 1089 of the RYR2 protein (p.Arg1089His). This variant is present in population databases (rs552564367, gnomAD 0.004%). This missense change has been observed in individual(s) with catecholaminergic polymorphic ventricular tachycardia (PMID: 28404607). ClinVar contains an entry for this variant (Variation ID: 629548). Invitae Evidence Modeling of protein sequence and biophysical properties (such as structural, functional, and spatial information, amino acid conservation, physicochemical variation, residue mobility, and thermodynamic stability) indicates that this missense variant is expected to disrupt RYR2 protein function with a positive predictive value of 95%. In summary, the available evidence is currently insufficient to determine the role of this variant in disease. Therefore, it has been classified as a Variant of Uncertain Significance.

All of Us Research Program, National Institutes of Health
Classification: Uncertain significance for Catecholaminergic polymorphic ventricular tachycardia. Last evaluated: 2024-09-23. Review status: criteria provided, single submitter. Criteria: ACMG Guidelines, 2015. Collection method: clinical testing. Allele origin: germline. Inheritance: Autosomal dominant inheritance. Observed: 11 variant alleles, 11 heterozygotes.
Comment: This missense variant replaces arginine with histidine at codon 1089 of the RYR2 protein. Computational prediction suggests that this variant may have deleterious impact on protein structure and function (internally defined REVEL score threshold >= 0.7, PMID: 27666373). To our knowledge, functional studies have not been reported for this variant. This variant has not been reported in individuals affected with RYR2-related disorders in the literature. This variant has been identified in 3/280444 chromosomes in the general population by the Genome Aggregation Database (gnomAD). The available evidence is insufficient to determine the role of this variant in disease conclusively. Therefore, this variant is classified as a Variant of Uncertain Significance.

This study involves interpretation of variants in research participants for the purpose of population health screening. Participant phenotype was not available at the time of variant classification. Additional details can be found in publication PMID: 35346344, PMCID: PMC8962531

Color Diagnostics, LLC DBA Color Health
Classification: Uncertain significance for Cardiomyopathy. Last evaluated: 2024-04-05. Review status: criteria provided, single submitter. Criteria: ACMG Guidelines, 2015. Collection method: clinical testing. Allele origin: germline.
Comment: This missense variant replaces arginine with histidine at codon 1089 of the RYR2 protein. Computational prediction suggests that this variant may have deleterious impact on protein structure and function (internally defined REVEL score threshold >= 0.7, PMID: 27666373). To our knowledge, functional studies have not been reported for this variant. This variant has not been reported in individuals affected with RYR2-related disorders in the literature. This variant has been identified in 3/280444 chromosomes in the general population by the Genome Aggregation Database (gnomAD). The available evidence is insufficient to determine the role of this variant in disease conclusively. Therefore, this variant is classified as a Variant of Uncertain Significance.

Literature cited by the submitters: PubMed 28404607 (cited by Labcorp Genetics (formerly Invitae), Labcorp).

NM_001035.3(RYR2):c.3266G>A (p.Arg1089His)

Gene: RYR2 (ryanodine receptor 2; plus strand). Cytogenetic location: 1q43.
Variant type: single nucleotide variant.
Coding change: c.3266G>A on transcript NM_001035.3 (MANE Select); coding-DNA position 3266, G replaced by A.
Protein change: p.Arg1089His; replaces arginine 1089 with histidine.
Molecular consequence: missense variant.
Genome position (GRCh38, 1-based): chr1:237,566,618, G>A. VCF-style: chr1-237566618-G-A. GRCh37 (hg19) VCF-style: chr1-237729918-G-A.
Other names: c.3266G>A, p.Arg1089His (LRG_402t1); short protein forms R1089H.
Identifiers: ClinVar variation 629548 (VCV000629548.18), dbSNP rs552564367, ClinGen allele CA086345.